The following is an entry in ClinVar:

NC_000014.9:g.(?_45159086)_(45159290_?)dup

Gene: FANCM (FA complementation group M; plus strand). Cytogenetic location: 14q21.2.
Variant type: Duplication.
Identifiers: ClinVar variation 3243941 (VCV003243941.1).

ClinVar aggregate classification (germline): Likely pathogenic (1 of 4 stars; one submission).

Conditions:
Fanconi anemia (FA). Also called: Fanconi's anemia. Identifiers: Orphanet 84, MedGen C0015625, MeSH D005199, MONDO:0019391.

Submission:

Labcorp Genetics (formerly Invitae), Labcorp
Classification: Likely pathogenic for Fanconi anemia. Last evaluated: 2023-09-05. Review status: criteria provided, single submitter. Criteria: Invitae Variant Classification Sherloc (09022015). Collection method: clinical testing. Allele origin: unknown.
Comment: In summary, the currently available evidence indicates that the variant is pathogenic, but additional data are needed to prove that conclusively. Therefore, this variant has been classified as Likely Pathogenic. This variant has not been reported in the literature in individuals affected with FANCM-related conditions. This variant results in a copy number gain of the genomic region encompassing exon(s) 9 of the FANCM gene. While the exact position of this variant cannot be determined from the data, sub-genic copy number gains are generally in tandem (PMID: 25640679). This variant is predicted to be out-of-frame, and may result in an absent or disrupted protein product. Loss-of-function variants in FANCM are known to be pathogenic (PMID: 29895858, 30075111).

Literature cited by the submitters: PubMed 25640679; PubMed 29895858; PubMed 30075111.